The following is an entry in ClinVar:

NM_058246.4(DNAJB6):c.898+1G>T

Gene: DNAJB6 (DnaJ heat shock protein family (Hsp40) member B6; plus strand). Cytogenetic location: 7q36.3.
Variant type: single nucleotide variant.
Coding change: c.898+1G>T on transcript NM_058246.4 (MANE Select); the canonical splice donor site of the intron after coding-DNA position 898, G replaced by T.
Molecular consequence: splice donor variant.
Genome position (GRCh38, 1-based): chr7:157,410,002, G>T. VCF-style: chr7-157410002-G-T. GRCh37 (hg19) VCF-style: chr7-157202696-G-T.
Other names: c.553+1G>T (NM_001363676.1).
Identifiers: ClinVar variation 3651211 (VCV003651211.2).

ClinVar aggregate classification (germline): Uncertain significance (1 of 4 stars; one submission).

Conditions:
Autosomal dominant limb-girdle muscular dystrophy type 1D (DNAJB6) (LGMDD1). Also called: MUSCULAR DYSTROPHY, LIMB-GIRDLE, TYPE 1D; MUSCULAR DYSTROPHY, AUTOSOMAL DOMINANT, WITH RIMMED VACUOLES; Autosomal dominant limb-girdle muscular dystrophy type 1D; Muscular dystrophy, limb-girdle, autosomal dominant 1. Identifiers: Orphanet 34516, MedGen C4721885, MONDO:0021018, OMIM 603511.

Submission:

Labcorp Genetics (formerly Invitae), Labcorp
Classification: Uncertain significance for Autosomal dominant limb-girdle muscular dystrophy type 1D (DNAJB6). Last evaluated: 2024-04-25. Review status: criteria provided, single submitter. Criteria: Invitae Variant Classification Sherloc (09022015). Collection method: clinical testing. Allele origin: germline.
Comment: This sequence change falls in intron 9 of the DNAJB6 gene. It does not directly change the encoded amino acid sequence of the DNAJB6 protein. It affects a nucleotide within the consensus splice site. This variant is not present in population databases (gnomAD no frequency). This variant has not been reported in the literature in individuals affected with DNAJB6-related conditions. Variants that disrupt the consensus splice site are a relatively common cause of aberrant splicing (PMID: 17576681, 9536098). Algorithms developed to predict the effect of sequence changes on RNA splicing suggest that this variant may disrupt the consensus splice site. In summary, the available evidence is currently insufficient to determine the role of this variant in disease. Therefore, it has been classified as a Variant of Uncertain Significance.

Literature cited by the submitters: PubMed 17576681; PubMed 9536098.